The following is an entry in ClinVar:

ClinVar aggregate classification (germline): Pathogenic (1 of 4 stars; one submission).

Conditions:
Familial hemiplegic migraine. Identifiers: MedGen C0338484, MONDO:0000700.

Submission:

Labcorp Genetics (formerly Invitae), Labcorp
Classification: Pathogenic for Familial hemiplegic migraine. Last evaluated: 2023-04-17. Review status: criteria provided, single submitter. Criteria: Invitae Variant Classification Sherloc (09022015). Collection method: clinical testing. Allele origin: germline.
Comment: Experimental studies have shown that this missense change affects ATP1A2 function (PMID: 22117059, 34384358). Advanced modeling of protein sequence and biophysical properties (such as structural, functional, and spatial information, amino acid conservation, physicochemical variation, residue mobility, and thermodynamic stability) performed at Invitae indicates that this missense variant is expected to disrupt ATP1A2 protein function. This variant disrupts the p.Arg202 amino acid residue in ATP1A2. Other variant(s) that disrupt this residue have been determined to be pathogenic (PMID: 17142831, 22117059). This suggests that this residue is clinically significant, and that variants that disrupt this residue are likely to be disease-causing. This missense change has been observed in individual(s) with familial hemiplegic migraine (PMID: 17142831). It has also been observed to segregate with disease in related individuals. This variant is not present in population databases (gnomAD no frequency). This sequence change replaces arginine, which is basic and polar, with glutamine, which is neutral and polar, at codon 202 of the ATP1A2 protein (p.Arg202Gln). For these reasons, this variant has been classified as Pathogenic.

Literature cited by the submitters: PubMed 22117059; PubMed 34384358; PubMed 17142831.

NM_000702.4(ATP1A2):c.605G>A (p.Arg202Gln)

Genes: ATP1A2 (ATPase Na+/K+ transporting subunit alpha 2; plus strand), LOC126805890 (CDK7 strongly-dependent group 2 enhancer GRCh37_chr1:160093987-160095186; plus strand). Cytogenetic location: 1q23.2.
Variant type: single nucleotide variant.
Coding change: c.605G>A on transcript NM_000702.4 (MANE Select); coding-DNA position 605, G replaced by A.
Protein change: p.Arg202Gln; replaces arginine 202 with glutamine.
Molecular consequence: missense variant.
Genome position (GRCh38, 1-based): chr1:160,124,405, G>A. VCF-style: chr1-160124405-G-A. GRCh37 (hg19) VCF-style: chr1-160094195-G-A.
Other names: short protein forms R202Q.
Identifiers: ClinVar variation 2734006 (VCV002734006.3), dbSNP rs2524857474, ClinGen allele CA343234040.